The following is an entry in ClinVar:

NM_002500.5(NEUROD1):c.211G>C (p.Glu71Gln)

Gene: NEUROD1 (neuronal differentiation 1; minus strand). Cytogenetic location: 2q31.3.
Variant type: single nucleotide variant.
Coding change: c.211G>C on transcript NM_002500.5 (MANE Select); coding-DNA position 211, G replaced by C.
Protein change: p.Glu71Gln; replaces glutamic acid 71 with glutamine.
Molecular consequence: missense variant.
Genome position (GRCh38, 1-based): chr2:181,678,650, C>G on the plus strand (G>C on the coding strand, the complement: NEUROD1 is on the minus strand). VCF-style: chr2-181678650-C-G. GRCh37 (hg19) VCF-style: chr2-182543377-C-G.
Other names: short protein forms E71Q.
Identifiers: ClinVar variation 3666605 (VCV003666605.2).

ClinVar aggregate classification (germline): Uncertain significance (1 of 4 stars; one submission).

gnomAD v4.1: 1 of 1,613,206 alleles (0.000062%); highest among the groups gnomAD compares: East Asian, 0.0022%; no homozygotes.

Submission:

Labcorp Genetics (formerly Invitae), Labcorp
Classification: Uncertain significance. Last evaluated: 2024-12-24. Review status: criteria provided, single submitter. Criteria: Invitae Variant Classification Sherloc (09022015). Collection method: clinical testing. Allele origin: germline.
Comment: This sequence change replaces glutamic acid, which is acidic and polar, with glutamine, which is neutral and polar, at codon 71 of the NEUROD1 protein (p.Glu71Gln). This variant is present in population databases (no rsID available, gnomAD 0.01%). This variant has not been reported in the literature in individuals affected with NEUROD1-related conditions. Invitae Evidence Modeling of protein sequence and biophysical properties (such as structural, functional, and spatial information, amino acid conservation, physicochemical variation, residue mobility, and thermodynamic stability) indicates that this missense variant is not expected to disrupt NEUROD1 protein function with a negative predictive value of 80%. In summary, the available evidence is currently insufficient to determine the role of this variant in disease. Therefore, it has been classified as a Variant of Uncertain Significance.